The following is an entry in ClinVar:

NM_005045.4(RELN):c.1483A>G (p.Ile495Val)

Gene: RELN (reelin; minus strand). Cytogenetic location: 7q22.1.
Variant type: single nucleotide variant.
Coding change: c.1483A>G on transcript NM_005045.4 (MANE Select); coding-DNA position 1483, A replaced by G.
Protein change: p.Ile495Val; replaces isoleucine 495 with valine.
Molecular consequence: missense variant.
Genome position (GRCh38, 1-based): chr7:103,654,164, T>C on the plus strand (A>G on the coding strand, the complement: RELN is on the minus strand). VCF-style: chr7-103654164-T-C. GRCh37 (hg19) VCF-style: chr7-103294611-T-C.
Other names: c.1483A>G, p.Ile495Val (NM_173054.3); short protein forms I495V.
Identifiers: ClinVar variation 212032 (VCV000212032.19), dbSNP rs150850005, ClinGen allele CA205209.
Genomic context (GRCh38, chr7:103,654,164, plus strand): 5'-AATAGGAAAGGGTATCCAGTGTTATATGCTCTTTTCTTCCTTCAATTTTTGCATACAGGA[T>C]TATGTCATTTTCATGAGAATTTCCAGGGTCACAAATTCCTCCTGCACAAAACAAAAATTT-3'
Protein context (NP_005036.2, residues 485-505): DPGNSHENDI[Ile495Val]LYAKIEGRKE

ClinVar aggregate classification (germline): Conflicting classifications of pathogenicity. Review status: criteria provided, conflicting classifications (1 of 4 stars). 5 submissions from 5 submitters: Uncertain significance (4); Benign (1). Last evaluated 2026-01-17.

Conditions:
Norman-Roberts syndrome (LIS2). Also called: Lissencephaly 2 (Norman-Roberts type). Identifiers: Orphanet 89844, MedGen C0796089, MONDO:0009760, OMIM 257320.
Epilepsy, familial temporal lobe, 1. Identifiers: Orphanet 101046, MedGen CN030884, MONDO:0700090, OMIM 600512.
Familial temporal lobe epilepsy 7. Identifiers: Orphanet 101046, MedGen C4225327, MONDO:0014639, OMIM 616436.

Allele frequency attached by ClinVar (database versions not stated): gnomAD exomes 0.00007 and 0.00019; ExAC 0.00011; ESP Exome Variant Server 0.00015; gnomAD 0.00034; TOPMed 0.00043.
gnomAD v4.1: 156 of 1,611,640 alleles (0.0097%); highest among the groups gnomAD compares: Middle Eastern, 0.45%; 2 homozygotes.

Submissions (5):

Labcorp Genetics (formerly Invitae), Labcorp
Classification: Benign for Familial temporal lobe epilepsy 7; Norman-Roberts syndrome. Last evaluated: 2026-01-17. Review status: criteria provided, single submitter. Criteria: Invitae Variant Classification Sherloc (09022015). Collection method: clinical testing. Allele origin: germline.

Women's Health and Genetics/Laboratory Corporation of America, LabCorp
Classification: Uncertain significance. Last evaluated: 2024-03-13. Review status: criteria provided, single submitter. Criteria: LabCorp Variant Classification Summary - May 2015. Collection method: clinical testing. Allele origin: germline.
Comment: Variant summary: RELN c.1483A>G (p.Ile495Val) results in a conservative amino acid change in the encoded protein sequence. Five of five in-silico tools predict a benign effect of the variant on protein function. The variant allele was found at a frequency of 0.00019 in 250440 control chromosomes in the gnomAD database, including 1 homozygote. To our knowledge, no occurrence of c.1483A>G in individuals affected with Epilepsy Familial Temporal Lobe 7 and no experimental evidence demonstrating its impact on protein function have been reported. ClinVar contains an entry for this variant (Variation ID: 212032). Based on the evidence outlined above, the variant was classified as VUS-possibly benign.

Fulgent Genetics
Classification: Uncertain significance for Norman-Roberts syndrome; Epilepsy, familial temporal lobe, 1; Familial temporal lobe epilepsy 7. Last evaluated: 2018-10-31. Review status: criteria provided, single submitter. Criteria: ACMG Guidelines, 2015. Collection method: clinical testing. Allele origin: unknown.

GeneDx
Classification: Uncertain significance. Last evaluated: 2017-09-27. Review status: criteria provided, single submitter. Criteria: GeneDx Variant Classification (06012015). Collection method: clinical testing. Allele origin: germline. Affected: yes.
Comment: The I495V variant has not been published as a pathogenic variant, nor has it been reported as a benign variant to our knowledge. This variant is observed in28/34226 (0.08%) alleles from individuals of Latino background, including 1 homozygous individual (Lek et al., 2016). The I495V variant is a conservative amino acid substitution, which is not likely to impact secondary proteinstructure as these residues share similar properties. This substitution occurs at a position that is not conserved, and in silico analysis predicts this variant likely does not alter the protein structure/function. Based on the currently available information, it is unclear whether this variant is a pathogenic variant or a rare benign variant.

Genetic Services Laboratory, University of Chicago
Classification: Uncertain significance. Last evaluated: 2015-04-16. Review status: criteria provided, single submitter. Criteria: ACMG Guidelines, 2015. Collection method: clinical testing. Allele origin: germline.